The following is an entry in ClinVar:

NM_022725.4(FANCF):c.196T>C (p.Trp66Arg)

Gene: FANCF (FA complementation group F; minus strand). Cytogenetic location: 11p14.3.
Variant type: single nucleotide variant.
Coding change: c.196T>C on transcript NM_022725.4 (MANE Select); coding-DNA position 196, T replaced by C.
Protein change: p.Trp66Arg; replaces tryptophan 66 with arginine.
Molecular consequence: missense variant.
Genome position (GRCh38, 1-based): chr11:22,625,615, A>G on the plus strand (T>C on the coding strand, the complement: FANCF is on the minus strand). VCF-style: chr11-22625615-A-G. GRCh37 (hg19) VCF-style: chr11-22647161-A-G.
Other names: short protein forms W66R.
Identifiers: ClinVar variation 5043399 (VCV005043399.1).
Genomic context (GRCh38, chr11:22,625,615, plus strand): 5'-GGGCCTGGAAGTTCGCTAATCCCGGAACTGGACCCCGCCCAAAGCCGCCCTCTTGCCTCC[A>G]CTGGTTGTGCAGCCGCCGCTCCAGAGCCGTGCGAATGGGGCCATGCCGACCAAAGCGCCG-3'
Protein context (NP_073562.1, residues 56-76): TALERRLHNQ[Trp66Arg]RQEGGFGRGP

ClinVar aggregate classification (germline): Uncertain significance (1 of 4 stars; one submission).

Conditions:
Fanconi anemia complementation group F. Also called: FANCF-Related Fanconi Anemia. Identifiers: Orphanet 84, MedGen C3469526, MONDO:0011325, OMIM 603467.

gnomAD v4.1: 2 of 1,613,492 alleles (0.00012%); highest among the groups gnomAD compares: African/African-American, 0.0013%; no homozygotes.

Submission:

St. Jude Molecular Pathology, St. Jude Children's Research Hospital
Classification: Uncertain significance for Fanconi anemia complementation group F. Last evaluated: 2026-10-01. Review status: criteria provided, single submitter. Criteria: St. Jude Assertion Criteria 2020. Collection method: clinical testing. Allele origin: germline.
Comment: The FANCF c.196T>C p.(Trp66Arg) missense change has a maximum subpopulation frequency of 0.01% in gnomAD v2.1.1. The in silico tool REVEL predicts a benign effect on protein function, but to our knowledge this prediction has not been confirmed by functional studies. To our knowledge, this variant has not been reported in the literat ure in individuals with Fanconi anemia. In summary, the evidence currently available is insufficient to determine the clinical significance of this variant. It has therefore been classified as of uncertain significance.